The following is an entry in ClinVar:

NM_001276270.2(MBD4):c.1392A>G (p.Ser464=)

Gene: MBD4 (methyl-CpG binding domain 4, DNA glycosylase; minus strand). Cytogenetic location: 3q21.3.
Variant type: single nucleotide variant.
Coding change: c.1392A>G on transcript NM_001276270.2 (MANE Select); coding-DNA position 1392, A replaced by G.
Protein change: p.Ser464=; no amino-acid change (serine 464 retained).
Molecular consequence: synonymous variant.
Genome position (GRCh38, 1-based): chr3:129,433,851, T>C on the plus strand (A>G on the coding strand, the complement: MBD4 is on the minus strand). VCF-style: chr3-129433851-T-C. GRCh37 (hg19) VCF-style: chr3-129152694-T-C.
Other names: c.1410A>G, p.Ser470= (NM_001276271.2, NM_001276272.2, NM_003925.3); c.456A>G, p.Ser152= (NM_001276273.2).
Identifiers: ClinVar variation 3653081 (VCV003653081.2).

ClinVar aggregate classification (germline): Uncertain significance (1 of 4 stars; one submission).

Submission:

Labcorp Genetics (formerly Invitae), Labcorp
Classification: Uncertain significance. Last evaluated: 2024-05-12. Review status: criteria provided, single submitter. Criteria: Invitae Variant Classification Sherloc (09022015). Collection method: clinical testing. Allele origin: germline.
Comment: This sequence change affects codon 470 of the MBD4 mRNA. It is a 'silent' change, meaning that it does not change the encoded amino acid sequence of the MBD4 protein. It affects a nucleotide within the consensus splice site. This variant is not present in population databases (gnomAD no frequency). This variant has not been reported in the literature in individuals affected with MBD4-related conditions. Algorithms developed to predict the effect of sequence changes on RNA splicing suggest that this variant may disrupt the consensus splice site. In summary, the available evidence is currently insufficient to determine the role of this variant in disease. Therefore, it has been classified as a Variant of Uncertain Significance.